The following is an entry in ClinVar:

ClinVar aggregate classification (germline): Likely pathogenic (1 of 4 stars; one submission).

Conditions:
Hereditary nonpolyposis colorectal neoplasms. Identifiers: MedGen C0009405, MeSH D003123.

Submission:

Labcorp Genetics (formerly Invitae), Labcorp
Classification: Likely pathogenic for Hereditary nonpolyposis colorectal neoplasms. Last evaluated: 2022-08-16. Review status: criteria provided, single submitter. Criteria: Invitae Variant Classification Sherloc (09022015). Collection method: clinical testing. Allele origin: germline.
Comment: In summary, the currently available evidence indicates that the variant is pathogenic, but additional data are needed to prove that conclusively. Therefore, this variant has been classified as Likely Pathogenic. This variant has not been reported in the literature in individuals affected with MSH6-related conditions. This variant results in a copy number gain of the genomic region encompassing exon(s) 5 of the MSH6 gene. While the exact position of this variant cannot be determined from the data, sub-genic copy number gains are generally in tandem (PMID: 25640679). This variant is predicted to be out-of-frame, and may result in an absent or disrupted protein product. Loss-of-function variants in MSH6 are known to be pathogenic (PMID: 18269114, 24362816).

Literature cited by the submitters: PubMed 25640679; PubMed 18269114; PubMed 24362816.

NC_000002.12:g.(?_47803398)_(47803695_?)dup

Gene: MSH6 (mutS homolog 6; plus strand). Cytogenetic location: 2p16.3.
Variant type: Duplication.
Identifiers: ClinVar variation 830868 (VCV000830868.3).